The following is an entry in ClinVar:

ClinVar aggregate classification (germline): Uncertain significance (1 of 4 stars; one submission).

Conditions:
Hereditary cancer-predisposing syndrome. Also called: Hereditary neoplastic syndrome; Neoplastic Syndromes, Hereditary; Tumor predisposition; Hereditary Cancer Syndrome. Identifiers: Orphanet 140162, MedGen C0027672, MeSH D009386, MONDO:0015356.

Submission:

Ambry Genetics
Classification: Uncertain significance for Hereditary cancer-predisposing syndrome. Last evaluated: 2026-05-08. Review status: criteria provided, single submitter. Criteria: Ambry Variant Classification Scheme 2023. Collection method: clinical testing. Allele origin: germline.
Comment: The p.F1645C variant (also known as c.4934T>G), located in coding exon 37 of the TSC2 gene, results from a T to G substitution at nucleotide position 4934. The phenylalanine at codon 1645 is replaced by cysteine, an amino acid with highly dissimilar properties. This amino acid position is highly conserved in available vertebrate species. In addition, this alteration is predicted to be deleterious by in silico analysis. Based on the available evidence, the clinical significance of this variant remains unclear.

NM_000548.5(TSC2):c.4934T>G (p.Phe1645Cys)

Gene: TSC2 (TSC complex subunit 2; plus strand). Cytogenetic location: 16p13.3.
Variant type: single nucleotide variant.
Coding change: c.4934T>G on transcript NM_000548.5 (MANE Select); coding-DNA position 4934, T replaced by G.
Protein change: p.Phe1645Cys; replaces phenylalanine 1645 with cysteine.
Molecular consequence: missense variant. On other transcripts: non-coding transcript variant (5).
Genome position (GRCh38, 1-based): chr16:2,086,816, T>G. VCF-style: chr16-2086816-T-G. GRCh37 (hg19) VCF-style: chr16-2136817-T-G.
Other names: c.4733T>G, p.Phe1578Cys (NM_001077183.3); c.4865T>G, p.Phe1622Cys (NM_001114382.3); c.4625T>G, p.Phe1542Cys (NM_001318827.2); c.4589T>G, p.Phe1530Cys (NM_001318829.2); c.4202T>G, p.Phe1401Cys (NM_001318831.2); c.4766T>G, p.Phe1589Cys (NM_001318832.2); c.4736T>G, p.Phe1579Cys (NM_001363528.2); c.4802T>G, p.Phe1601Cys (NM_001370404.1); and 26 more; short protein forms F1542C, F1573C, F1644C, F1130C, F1379C, F1541C, F1559C, F1589C.
Identifiers: ClinVar variation 4842412 (VCV004842412.2).